The following is an entry in ClinVar:

ClinVar aggregate classification (germline): Uncertain significance. Review status: criteria provided, multiple submitters, no conflicts (2 of 4 stars). 2 submissions from 2 submitters: Uncertain significance (2). Last evaluated 2025-06-09.

Conditions:
Inborn genetic diseases. Identifiers: MedGen C0950123, MeSH D030342.

Allele frequency attached by ClinVar (database versions not stated): ExAC 0.00001; gnomAD 0.00003; TOPMed 0.00009; 1000 Genomes Project 30x 0.00016; 1000 Genomes Project 0.00020.
gnomAD v4.1: 8 of 1,614,052 alleles (0.0005%); highest among the groups gnomAD compares: Admixed American, 0.01%; no homozygotes.

Submissions (2):

Labcorp Genetics (formerly Invitae), Labcorp
Classification: Uncertain significance. Last evaluated: 2025-06-09. Review status: criteria provided, single submitter. Criteria: Invitae Variant Classification Sherloc (09022015). Collection method: clinical testing. Allele origin: germline.
Comment: This sequence change replaces asparagine, which is neutral and polar, with lysine, which is basic and polar, at codon 2194 of the CNOT1 protein (p.Asn2194Lys). This variant is present in population databases (rs187907917, gnomAD 0.003%). This variant has not been reported in the literature in individuals affected with CNOT1-related conditions. ClinVar contains an entry for this variant (Variation ID: 3146591). An algorithm developed to predict the effect of missense changes on protein structure and function (PolyPhen-2) suggests that this variant is likely to be tolerated. In summary, the available evidence is currently insufficient to determine the role of this variant in disease. Therefore, it has been classified as a Variant of Uncertain Significance.

Ambry Genetics
Classification: Uncertain significance for Inborn genetic diseases. Last evaluated: 2024-01-09. Review status: criteria provided, single submitter. Criteria: Ambry Variant Classification Scheme 2023. Collection method: clinical testing. Allele origin: germline.

NM_016284.5(CNOT1):c.6597C>A (p.Asn2199Lys)

Gene: CNOT1 (CCR4-NOT transcription complex subunit 1; minus strand). Cytogenetic location: 16q21.
Variant type: single nucleotide variant.
Coding change: c.6597C>A on transcript NM_016284.5 (MANE Select); coding-DNA position 6597, C replaced by A.
Protein change: p.Asn2199Lys; replaces asparagine 2199 with lysine.
Molecular consequence: missense variant. On other transcripts: non-coding transcript variant (1).
Genome position (GRCh38, 1-based): chr16:58,525,995, G>T on the plus strand (C>A on the coding strand, the complement: CNOT1 is on the minus strand). VCF-style: chr16-58525995-G-T. GRCh37 (hg19) VCF-style: chr16-58559899-G-T.
Other names: c.6582C>A, p.Asn2194Lys (NM_001265612.2); short protein forms N2199K, N2194K.
Identifiers: ClinVar variation 3146591 (VCV003146591.2), dbSNP rs187907917, ClinGen allele CA8088638.